The following is an entry in ClinVar:

NM_001363.5(DKC1):c.901A>G (p.Met301Val)

Gene: DKC1 (dyskerin pseudouridine synthase 1; plus strand). Cytogenetic location: Xq28.
Variant type: single nucleotide variant.
Coding change: c.901A>G on transcript NM_001363.5 (MANE Select); coding-DNA position 901, A replaced by G.
Protein change: p.Met301Val; replaces methionine 301 with valine.
Molecular consequence: missense variant. On other transcripts: non-coding transcript variant (3).
Genome position (GRCh38, 1-based): chrX:154,769,296, A>G. VCF-style: chrX-154769296-A-G. GRCh37 (hg19) VCF-style: chrX-153997571-A-G.
Other names: c.901A>G, p.Met301Val (NM_001142463.3, NM_001288747.2); short protein forms M301V.
Identifiers: ClinVar variation 3598198 (VCV003598198.2).
Genomic context (GRCh38, chrX:154,769,296, plus strand): 5'-TACCTGCGGCGAGTTGTTTACCCTTTGGAAAAGCTGTTGACATCTCATAAACGGCTGGTT[A>G]TGAAAGACAGTGCAGTAAGTTCCGGGTTAGGAGTTTATATTTGGAAAGAACGTACTCCAA-3'
Protein context (NP_001354.1, residues 291-311): KLLTSHKRLV[Met301Val]KDSAVNAICY

ClinVar aggregate classification (germline): Uncertain significance. Review status: criteria provided, multiple submitters, no conflicts (2 of 4 stars). 2 submissions from 2 submitters: Uncertain significance (2). Last evaluated 2025-07-19.

Conditions:
Dyskeratosis congenita. Identifiers: Orphanet 1775, MedGen C0265965, MONDO:0015780.
Cataracts, hearing impairment, nephrotic syndrome, and enterocolitis 1 (CHINE1). Identifiers: MedGen C5829571, MONDO:0958178, OMIM 301108.
Dyskeratosis congenita, X-linked (DKCX). Also called: Zinsser-Cole-Engman Syndrome. Identifiers: MedGen C1148551, MONDO:0010584, OMIM 305000.

gnomAD v4.1: 1 of 1,211,966 alleles (0.000083%); highest among the groups gnomAD compares: East Asian, 0.003%; no homozygotes.

Submissions (2):

Labcorp Genetics (formerly Invitae), Labcorp
Classification: Uncertain significance for Dyskeratosis congenita. Last evaluated: 2025-07-19. Review status: criteria provided, single submitter. Criteria: Invitae Variant Classification Sherloc (09022015). Collection method: clinical testing. Allele origin: germline.
Comment: This sequence change replaces methionine, which is neutral and non-polar, with valine, which is neutral and non-polar, at codon 301 of the DKC1 protein (p.Met301Val). This variant is present in population databases (rs781793051, gnomAD 0.02%). This variant has not been reported in the literature in individuals affected with DKC1-related conditions. ClinVar contains an entry for this variant (Variation ID: 3598198). Invitae Evidence Modeling of protein sequence and biophysical properties (such as structural, functional, and spatial information, amino acid conservation, physicochemical variation, residue mobility, and thermodynamic stability) indicates that this missense variant is not expected to disrupt DKC1 protein function with a negative predictive value of 80%. In summary, the available evidence is currently insufficient to determine the role of this variant in disease. Therefore, it has been classified as a Variant of Uncertain Significance.

Fulgent Genetics
Classification: Uncertain significance for Cataracts, hearing impairment, nephrotic syndrome, and enterocolitis 1; Dyskeratosis congenita, X-linked. Last evaluated: 2024-04-16. Review status: criteria provided, single submitter. Criteria: ACMG Guidelines, 2015. Collection method: clinical testing. Allele origin: germline.